The following is an entry in ClinVar:

NM_001127198.5(TMC6):c.1814T>C (p.Leu605Pro)

Gene: TMC6 (transmembrane channel like 6; minus strand). Cytogenetic location: 17q25.3.
Variant type: single nucleotide variant.
Coding change: c.1814T>C on transcript NM_001127198.5 (MANE Select); coding-DNA position 1814, T replaced by C.
Protein change: p.Leu605Pro; replaces leucine 605 with proline.
Molecular consequence: missense variant. On other transcripts: non-coding transcript variant (4).
Genome position (GRCh38, 1-based): chr17:78,119,044, A>G on the plus strand (T>C on the coding strand, the complement: TMC6 is on the minus strand). VCF-style: chr17-78119044-A-G. GRCh37 (hg19) VCF-style: chr17-76115125-A-G.
Other names: c.1814T>C, p.Leu605Pro (NM_001321185.1, NM_001374596.1, NM_001375353.1 and 2 more transcripts); c.1634T>C, p.Leu545Pro (NM_001374593.1, NM_001374594.1); short protein forms L545P, L605P.
Identifiers: ClinVar variation 1416123 (VCV001416123.6), dbSNP rs764741111, ClinGen allele CA8795542.

ClinVar aggregate classification (germline): Uncertain significance (1 of 4 stars; one submission).

Conditions:
Epidermodysplasia verruciformis. Identifiers: Orphanet 302, MedGen C0014522, MONDO:0009176.

Allele frequency attached by ClinVar (database versions not stated): gnomAD 0.00001; gnomAD exomes 0.00001 and 0.00004; ExAC 0.00012.
gnomAD v4.1: 22 of 1,585,080 alleles (0.0014%); highest among the groups gnomAD compares: South Asian, 0.024%; 1 homozygote.

Submission:

Labcorp Genetics (formerly Invitae), Labcorp
Classification: Uncertain significance for Epidermodysplasia verruciformis. Last evaluated: 2021-03-16. Review status: criteria provided, single submitter. Criteria: Invitae Variant Classification Sherloc (09022015). Collection method: clinical testing. Allele origin: germline.
Comment: This sequence change replaces leucine with proline at codon 605 of the TMC6 protein (p.Leu605Pro). The leucine residue is moderately conserved and there is a moderate physicochemical difference between leucine and proline. This variant is present in population databases (rs764741111, ExAC 0.05%). This variant has not been reported in the literature in individuals with TMC6-related conditions. Algorithms developed to predict the effect of missense changes on protein structure and function are either unavailable or do not agree on the potential impact of this missense change (SIFT: "Not Available"; PolyPhen-2: "Probably Damaging"; Align-GVGD: "Not Available"). In summary, the available evidence is currently insufficient to determine the role of this variant in disease. Therefore, it has been classified as a Variant of Uncertain Significance.